The following is an entry in ClinVar:

ClinVar aggregate classification (germline): Uncertain significance (1 of 4 stars; one submission).

Allele frequency attached by ClinVar (database versions not stated): gnomAD exomes 0.00001; ExAC 0.00002.
gnomAD v4.1: 10 of 1,613,622 alleles (0.00062%); highest among the groups gnomAD compares: South Asian, 0.011%; no homozygotes.

Submission:

Labcorp Genetics (formerly Invitae), Labcorp
Classification: Uncertain significance. Last evaluated: 2022-01-06. Review status: criteria provided, single submitter. Criteria: Invitae Variant Classification Sherloc (09022015). Collection method: clinical testing. Allele origin: germline.
Comment: Algorithms developed to predict the effect of missense changes on protein structure and function are either unavailable or do not agree on the potential impact of this missense change (SIFT: "Not Available"; PolyPhen-2: "Probably Damaging"; Align-GVGD: "Not Available"). This variant has not been reported in the literature in individuals affected with LARS-related conditions. This variant is present in population databases (rs765125271, gnomAD 0.02%). This sequence change replaces proline, which is neutral and non-polar, with serine, which is neutral and polar, at codon 1129 of the LARS protein (p.Pro1129Ser). In summary, the available evidence is currently insufficient to determine the role of this variant in disease. Therefore, it has been classified as a Variant of Uncertain Significance.

NM_020117.11(LARS1):c.3385C>T (p.Pro1129Ser)

Gene: LARS1 (leucyl-tRNA synthetase 1; minus strand). Cytogenetic location: 5q32.
Variant type: single nucleotide variant.
Coding change: c.3385C>T on transcript NM_020117.11 (MANE Select); coding-DNA position 3385, C replaced by T.
Protein change: p.Pro1129Ser; replaces proline 1129 with serine.
Molecular consequence: missense variant.
Genome position (GRCh38, 1-based): chr5:146,114,252, G>A on the plus strand (C>T on the coding strand, the complement: LARS1 is on the minus strand). VCF-style: chr5-146114252-G-A. GRCh37 (hg19) VCF-style: chr5-145493815-G-A.
Other names: c.3247C>T, p.Pro1083Ser (NM_001317964.2); c.3223C>T, p.Pro1075Ser (NM_001317965.2); c.3304C>T, p.Pro1102Ser (NM_016460.4); short protein forms P1102S, P1075S, P1083S, P1129S.
Identifiers: ClinVar variation 2076641 (VCV002076641.4), dbSNP rs765125271, ClinGen allele CA3489038.
Genomic context (GRCh38, chr5:146,114,252, plus strand): 5'-CATTGAAAACAGCATGCTCAGAAATGGGGGTCTTCTCGGTGTACTCCTTTCCCAGGACAG[G>A]AACTCGTCGAGGCCCCAACAGTGGATCATCAAATCTCATCAGTTTCACTTTGGAAAGGTC-3'
Protein context (NP_064502.9, residues 1119-1139): DDPLLGPRRV[Pro1129Ser]VLGKEYTEKT